The following is an entry in ClinVar:

ClinVar aggregate classification (germline): Uncertain significance (0 of 4 stars; one submission).

Conditions:
Fanconi anemia complementation group A (FANCA). Also called: Fanconi anemia, group A; FANCA-Related Fanconi Anemia. Identifiers: Orphanet 84, MedGen C3469521, MONDO:0009215, OMIM 227650.

Submission:

Leiden Open Variation Database
Classification: Uncertain significance for Fanconi anemia complementation group A. Last evaluated: 2020-02-28. Review status: no assertion criteria provided. Collection method: curation. Allele origin: germline. Affected: yes.
Comment: Curator: Arleen D. Auerbach. Submitter to LOVD: Arleen D. Auerbach.

NC_000016.10:g.(89749903_89752137)_(89758706_89761948)del

Gene: FANCA (FA complementation group A; minus strand). Cytogenetic location: 16q24.3.
Variant type: Deletion.
Identifiers: ClinVar variation 974047 (VCV000974047.1).